The following is an entry in ClinVar:

NM_004310.5(RHOH):c.510C>G (p.Ala170=)

Gene: RHOH (ras homolog family member H; plus strand). Cytogenetic location: 4p14.
Variant type: single nucleotide variant.
Coding change: c.510C>G on transcript NM_004310.5 (MANE Select); coding-DNA position 510, C replaced by G.
Protein change: p.Ala170=; no amino-acid change (alanine 170 retained).
Molecular consequence: synonymous variant.
Genome position (GRCh38, 1-based): chr4:40,243,896, C>G. VCF-style: chr4-40243896-C-G. GRCh37 (hg19) VCF-style: chr4-40245516-C-G.
Other names: c.510C>G, p.Ala170= (NM_001278359.2, NM_001278360.2, NM_001278361.2 and 8 more transcripts).
Identifiers: ClinVar variation 544156 (VCV000544156.38), dbSNP rs61731758, ClinGen allele CA2897780.

ClinVar aggregate classification (germline): Benign/Likely benign. Review status: criteria provided, multiple submitters, no conflicts (2 of 4 stars). 5 submissions from 5 submitters: Benign (3); Likely benign (2). Last evaluated 2026-04-06.

Conditions:
T-cell immunodeficiency with epidermodysplasia verruciformis. Identifiers: Orphanet 324294, MedGen C4749500, MONDO:0017925.

Allele frequency attached by ClinVar (database versions not stated): 1000 Genomes Project 0.00060; ESP Exome Variant Server 0.00077; 1000 Genomes Project 30x 0.00078; TOPMed 0.00095.
gnomAD v4.1: 1,777 of 1,614,102 alleles (0.11%); highest among the groups gnomAD compares: South Asian, 0.38%; 5 homozygotes.

Submissions (5):

Women's Health and Genetics/Laboratory Corporation of America, LabCorp
Classification: Benign. Last evaluated: 2026-04-06. Review status: criteria provided, single submitter. Criteria: LabCorp Variant Classification Summary - May 2015. Collection method: clinical testing. Allele origin: germline.

Labcorp Genetics (formerly Invitae), Labcorp
Classification: Benign for T-cell immunodeficiency with epidermodysplasia verruciformis. Last evaluated: 2026-02-02. Review status: criteria provided, single submitter. Criteria: Invitae Variant Classification Sherloc (09022015). Collection method: clinical testing. Allele origin: germline.

Blueprint Genetics
Classification: Likely benign. Last evaluated: 2024-11-22. Review status: criteria provided, single submitter. Criteria: ACMG Guidelines, 2015. Collection method: clinical testing. Allele origin: germline.

CeGaT Center for Human Genetics Tuebingen
Classification: Likely benign. Last evaluated: 2022-11-01. Review status: criteria provided, single submitter. Criteria: CeGaT Center For Human Genetics Tuebingen Variant Classification Criteria Version 2. Collection method: clinical testing. Allele origin: germline. Affected: yes. Observed: 1 variant allele.
Comment: RHOH: BP4, BP7

Breakthrough Genomics
Classification: Benign. Review status: criteria provided, single submitter. Criteria: ACMG Guidelines, 2015. Collection method: not provided. Allele origin: germline. Inheritance: Autosomal recessive inheritance. Affected: yes.